The following is an entry in ClinVar:

ClinVar aggregate classification (germline): Pathogenic. Review status: reviewed by expert panel (3 of 4 stars). 5 submissions from 5 submitters: Pathogenic (1). 4 of the submissions do not count toward it. Last evaluated 2016-10-18.

Conditions:
Hereditary cancer-predisposing syndrome. Also called: Neoplastic Syndromes, Hereditary; Tumor predisposition; Hereditary Cancer Syndrome; Hereditary neoplastic syndrome. Identifiers: Orphanet 140162, MedGen C0027672, MeSH D009386, MONDO:0015356.
Hereditary breast ovarian cancer syndrome. Also called: Hereditary breast and ovarian cancer syndrome; Hereditary breast and ovarian cancer; Hereditary breast and ovarian cancer syndrome (HBOC); Breast and ovarian cancer; Hereditary breast and/or ovarian cancer syndrome; BRCA1- and BRCA2-Associated Hereditary Breast and Ovarian Cancer. Identifiers: Orphanet 145, MedGen C0677776, MeSH D061325, MONDO:0003582. Disease mechanism: loss of function.
Breast-ovarian cancer, familial, susceptibility to, 2 (BROVCA2). Also called: BRCA2 Hereditary Breast and Ovarian Cancer. Identifiers: Orphanet 145, MedGen C2675520, MONDO:0012933, OMIM 612555. Disease mechanism: loss of function.

Submissions (5):

Evidence-based Network for the Interpretation of Germline Mutant Alleles (ENIGMA)
Classification: Pathogenic for Breast-ovarian cancer, familial, susceptibility to, 2. Last evaluated: 2016-10-18. Review status: reviewed by expert panel. Criteria: ENIGMA BRCA1/2 Classification Criteria (2015). Collection method: curation. Allele origin: germline.
Comment: Variant allele predicted to encode a truncated non-functional protein.

Labcorp Genetics (formerly Invitae), Labcorp
Classification: Pathogenic for Hereditary breast ovarian cancer syndrome. Last evaluated: 2025-10-30. Review status: criteria provided, single submitter. Criteria: Invitae Variant Classification Sherloc (09022015). Collection method: clinical testing. Allele origin: germline. Not counted in ClinVar's aggregate classification.
Comment: This sequence change creates a premature translational stop signal (p.Lys589Valfs*7) in the BRCA2 gene. It is expected to result in an absent or disrupted protein product. Loss-of-function variants in BRCA2 are known to be pathogenic (PMID: 20104584). This variant is not present in population databases (gnomAD no frequency). This premature translational stop signal has been observed in individual(s) with breast cancer (PMID: 12942367). This variant is also known as 1993delAA. ClinVar contains an entry for this variant (Variation ID: 51188). For these reasons, this variant has been classified as Pathogenic.

Women's Health and Genetics/Laboratory Corporation of America, LabCorp
Classification: Pathogenic for Hereditary breast ovarian cancer syndrome. Last evaluated: 2024-08-05. Review status: criteria provided, single submitter. Criteria: LabCorp Variant Classification Summary - May 2015. Collection method: clinical testing. Allele origin: germline. Not counted in ClinVar's aggregate classification.
Comment: Variant summary: BRCA2 c.1765_1766delAA (p.Lys589ValfsX7) results in a premature termination codon, predicted to cause absence of the protein due to nonsense mediated decay, which is a commonly known mechanism for disease. The variant was absent in 249336 control chromosomes (gnomAD). c.1765_1766delAA has been reported in the literature in individuals affected with Hereditary Breast And Ovarian Cancer Syndrome (e.g. Liu_2021). The following publication has been ascertained in the context of this evaluation (PMID: 33461583). ClinVar contains an entry for this variant (Variation ID: 51188). Based on the evidence outlined above, the variant was classified as pathogenic.

Ambry Genetics
Classification: Pathogenic for Hereditary cancer-predisposing syndrome. Last evaluated: 2024-06-04. Review status: criteria provided, single submitter. Criteria: Ambry Variant Classification Scheme 2023. Collection method: clinical testing. Allele origin: germline. Not counted in ClinVar's aggregate classification.
Comment: The c.1765_1766delAA pathogenic mutation, located in coding exon 9 of the BRCA2 gene, results from a deletion of two nucleotides at nucleotide positions 1765 to 1766, causing a translational frameshift with a predicted alternate stop codon (p.K589Vfs*7). This alteration was also identified in a large, worldwide study of BRCA1/2 mutation positive families (Rebbeck TR et al. Hum. Mutat., 2018 05;39:593-620). Of note, this alteration is also designated as 1993delAA in published literature. This variant is considered to be rare based on population cohorts in the Genome Aggregation Database (gnomAD). In addition to the clinical data presented in the literature, this alteration is expected to result in loss of function by premature protein truncation or nonsense-mediated mRNA decay. As such, this alteration is interpreted as a disease-causing mutation.

Consortium of Investigators of Modifiers of BRCA1/2 (CIMBA), c/o University of Cambridge
Classification: Pathogenic for Breast-ovarian cancer, familial, susceptibility to, 2. Last evaluated: 2015-10-02. Review status: criteria provided, single submitter. Criteria: CIMBA Mutation Classification guidelines May 2016. Collection method: clinical testing. Allele origin: germline. Not counted in ClinVar's aggregate classification.

Literature cited by the submitters: PubMed 20104584 (cited by Labcorp Genetics (formerly Invitae), Labcorp); PubMed 12942367 (cited by Labcorp Genetics (formerly Invitae), Labcorp and Ambry Genetics); PubMed 33461583 (cited by Women's Health and Genetics/Laboratory Corporation of America, LabCorp); PubMed 29446198 (cited by Ambry Genetics).

NM_000059.4(BRCA2):c.1765_1766del (p.Lys589fs)

Gene: BRCA2 (BRCA2 DNA repair associated; plus strand). Cytogenetic location: 13q13.1.
Variant type: Deletion.
Coding change: c.1765_1766del on transcript NM_000059.4 (MANE Select); coding-DNA positions 1765 to 1766, 2 bases deleted (AA; older notation c.1765_1766delAA).
Protein change: p.Lys589fs; shifts the reading frame from lysine 589.
Molecular consequence: frameshift variant.
Genome position (GRCh38, 1-based): chr13:32,333,243-32,333,244, AA deleted. VCF-style (leftmost placement, unchanged base first): chr13-32333242-TAA-T. GRCh37 (hg19) VCF-style: chr13-32907379-TAA-T.
Other names: 1993delAA; c.1765_1766delAA (NM_000059.3).
Identifiers: ClinVar variation 51188 (VCV000051188.18), dbSNP rs397507606, ClinGen allele CA013142.